The following is an entry in ClinVar:

ClinVar aggregate classification (germline): Conflicting classifications of pathogenicity. Review status: criteria provided, conflicting classifications (1 of 4 stars). 12 submissions from 9 submitters: Uncertain significance (4); Benign (1); Likely benign (7). Last evaluated 2026-01-29.

Conditions:
Familial Hypertrophic Cardiomyopathy with Wolff-Parkinson-White Syndrome. Identifiers: MedGen CN239247.
Cardiovascular phenotype. Identifiers: MedGen CN230736.
Cardiomyopathy (CMYO). Also called: Cardiomyopathies. Identifiers: Orphanet 167848, MedGen C0878544, MONDO:0004994, HP:0001638. Inheritance: Various modes of inheritance.
Cardiomyopathy, familial restrictive, 1. Identifiers: Orphanet 75249, MedGen C1861861, MONDO:0007270, OMIM 115210.
Dilated cardiomyopathy 2A (CMD2A). Also called: CARDIOMYOPATHY, CONGESTIVE, AUTOSOMAL RECESSIVE; CARDIOMYOPATHY, DILATED, AUTOSOMAL RECESSIVE. Identifiers: Orphanet 154, MedGen C2678474, MONDO:0012746, OMIM 611880.
Hypertrophic cardiomyopathy 7. Also called: CARDIOMYOPATHY, FAMILIAL HYPERTROPHIC, 7, MODIFIER OF; TNNI3-Related Familial Hypertrophic Cardiomyopathy; Familial hypertrophic cardiomyopathy 7. Identifiers: MedGen C1860752, MONDO:0013369, OMIM 613690.
Hypertrophic cardiomyopathy. Also called: HYPERTROPHIC MYOCARDIOPATHY. Identifiers: Orphanet 217569, MedGen C0007194, MeSH D002312, MONDO:0005045, HP:0001639.

Allele frequency attached by ClinVar (database versions not stated): gnomAD 0.00006; gnomAD exomes 0.00006 and 0.00015; TOPMed 0.00009.
gnomAD v4.1: 221 of 1,564,882 alleles (0.014%); highest among the groups gnomAD compares: Non-Finnish European, 0.017%; no homozygotes.

Submissions (12):

Labcorp Genetics (formerly Invitae), Labcorp
Classification: Likely benign for Hypertrophic cardiomyopathy. Last evaluated: 2026-01-29. Review status: criteria provided, single submitter. Criteria: Invitae Variant Classification Sherloc (09022015). Collection method: clinical testing. Allele origin: germline.

Mayo Clinic Laboratories, Mayo Clinic
Classification: Likely benign. Last evaluated: 2025-10-20. Review status: criteria provided, single submitter. Criteria: ACMG Guidelines, 2015. Collection method: clinical testing. Allele origin: germline. Observed: 1 variant allele.
Comment: BP4, BP7

Women's Health and Genetics/Laboratory Corporation of America, LabCorp
Classification: Likely benign. Last evaluated: 2025-09-15. Review status: criteria provided, single submitter. Criteria: LabCorp Variant Classification Summary - May 2015. Collection method: clinical testing. Allele origin: germline.

All of Us Research Program, National Institutes of Health
Classification: Likely benign for Hypertrophic cardiomyopathy. Last evaluated: 2024-02-05. Review status: criteria provided, single submitter. Criteria: ACMG Guidelines, 2015. Collection method: clinical testing. Allele origin: germline. Inheritance: Autosomal dominant inheritance. Observed: 25 variant alleles, 25 heterozygotes.
Comment: This study involves interpretation of variants in research participants for the purpose of population health screening. Participant phenotype was not available at the time of variant classification. Additional details can be found in publication PMID: 35346344, PMCID: PMC8962531

Blueprint Genetics
Classification: Likely benign. Last evaluated: 2023-09-05. Review status: criteria provided, single submitter. Criteria: ACMG Guidelines, 2015. Collection method: clinical testing. Allele origin: germline.

Ambry Genetics
Classification: Likely benign for Cardiovascular phenotype. Last evaluated: 2021-03-17. Review status: criteria provided, single submitter. Criteria: Ambry Variant Classification Scheme 2023. Collection method: clinical testing. Allele origin: germline.

Illumina Laboratory Services, Illumina
Classification: Uncertain significance for Cardiomyopathy, familial restrictive, 1. Last evaluated: 2019-05-01. Review status: criteria provided, single submitter. Criteria: ICSL Variant Classification Criteria 13 December 2019. Collection method: clinical testing. Allele origin: germline.

Illumina Laboratory Services, Illumina
Classification: Uncertain significance for Dilated cardiomyopathy 2A. Last evaluated: 2019-05-01. Review status: criteria provided, single submitter. Criteria: ICSL Variant Classification Criteria 13 December 2019. Collection method: clinical testing. Allele origin: germline.

Illumina Laboratory Services, Illumina
Classification: Uncertain significance for Familial Hypertrophic Cardiomyopathy with Wolff-Parkinson-White Syndrome. Last evaluated: 2019-05-01. Review status: criteria provided, single submitter. Criteria: ICSL Variant Classification Criteria 13 December 2019. Collection method: clinical testing. Allele origin: germline.

Illumina Laboratory Services, Illumina
Classification: Uncertain significance for Hypertrophic cardiomyopathy 7. Last evaluated: 2019-05-01. Review status: criteria provided, single submitter. Criteria: ICSL Variant Classification Criteria 13 December 2019. Collection method: clinical testing. Allele origin: germline.

Color Diagnostics, LLC DBA Color Health
Classification: Likely benign for Cardiomyopathy. Last evaluated: 2018-04-08. Review status: criteria provided, single submitter. Criteria: ACMG Guidelines, 2015. Collection method: clinical testing. Allele origin: germline.

GeneDx
Classification: Benign. Last evaluated: 2013-07-12. Review status: criteria provided, single submitter. Criteria: GeneDx Variant Classification (06012015). Collection method: clinical testing. Allele origin: germline. Affected: yes.
Comment: This variant is considered likely benign or benign based on one or more of the following criteria: it is a conservative change, it occurs at a poorly conserved position in the protein, it is predicted to be benign by multiple in silico algorithms, and/or has population frequency not consistent with disease.

NM_000363.5(TNNI3):c.139T>C (p.Leu47=)

Gene: TNNI3 (troponin I3, cardiac type; minus strand). Cytogenetic location: 19q13.42.
Variant type: single nucleotide variant.
Coding change: c.139T>C on transcript NM_000363.5 (MANE Select); coding-DNA position 139, T replaced by C.
Protein change: p.Leu47=; no amino-acid change (leucine 47 retained).
Molecular consequence: synonymous variant.
Genome position (GRCh38, 1-based): chr19:55,156,614, A>G on the plus strand (T>C on the coding strand, the complement: TNNI3 is on the minus strand). VCF-style: chr19-55156614-A-G. GRCh37 (hg19) VCF-style: chr19-55667982-A-G.
Other names: p.L47L:TTG>CTG; p.Leu47=; c.139T>C (LRG_432t1).
Identifiers: ClinVar variation 137685 (VCV000137685.23), dbSNP rs587780967, ClinGen allele CA021292.